The following is an entry in ClinVar:

NM_006742.3(PSKH1):c.426G>A (p.Ser142=)

Gene: PSKH1 (protein serine kinase H1; plus strand). Cytogenetic location: 16q22.1.
Variant type: single nucleotide variant.
Coding change: c.426G>A on transcript NM_006742.3 (MANE Select); coding-DNA position 426, G replaced by A.
Protein change: p.Ser142=; no amino-acid change (serine 142 retained).
Molecular consequence: synonymous variant.
Genome position (GRCh38, 1-based): chr16:67,909,175, G>A. VCF-style: chr16-67909175-G-A. GRCh37 (hg19) VCF-style: chr16-67943078-G-A.
Identifiers: ClinVar variation 4997552 (VCV004997552.1).
Genomic context (GRCh38, chr16:67,909,175, plus strand): 5'-GCCGTATGCCATCAAGATGATTGAGACCAAGTACCGGGAGGGGCGGGAGGTGTGTGAGTC[G>A]GAGCTGCGTGTGCTGCGTCGGGTGCGTCATGCCAACATCATCCAGCTGGTGGAGGTGTTC-3'
Protein context (NP_006733.1, residues 132-152): KYREGREVCE[Ser142=]ELRVLRRVRH

ClinVar aggregate classification (germline): Likely benign (1 of 4 stars; one submission).

Conditions:
PSKH1-related condition.

gnomAD v4.1: 628 of 1,614,112 alleles (0.039%); highest among the groups gnomAD compares: Non-Finnish European, 0.045%; no homozygotes.

Submission:

PreventionGenetics, part of Exact Sciences
Classification: Likely benign for PSKH1-related condition. Last evaluated: 2026-01-27. Review status: criteria provided, single submitter. Criteria: ACMG Guidelines, 2015. Collection method: clinical testing. Allele origin: germline.
Comment: This variant is classified as likely benign based on ACMG/AMP sequence variant interpretation guidelines (Richards et al. 2015 PMID: 25741868, with internal and published modifications).